The following is an entry in ClinVar:

ClinVar aggregate classification (germline): Uncertain significance. Review status: criteria provided, multiple submitters, no conflicts (2 of 4 stars). 2 submissions from 2 submitters: Uncertain significance (2). Last evaluated 2025-08-03.

Submissions (2):

Ambry Genetics
Classification: Uncertain significance. Last evaluated: 2025-08-03. Review status: criteria provided, single submitter. Criteria: Ambry Variant Classification Scheme 2023. Collection method: clinical testing. Allele origin: germline.

Labcorp Genetics (formerly Invitae), Labcorp
Classification: Uncertain significance. Last evaluated: 2023-10-06. Review status: criteria provided, single submitter. Criteria: Invitae Variant Classification Sherloc (09022015). Collection method: clinical testing. Allele origin: germline.
Comment: This sequence change replaces alanine, which is neutral and non-polar, with glutamic acid, which is acidic and polar, at codon 112 of the DMRT2 protein (p.Ala112Glu). This variant is not present in population databases (gnomAD no frequency). This variant has not been reported in the literature in individuals affected with DMRT2-related conditions. An algorithm developed to predict the effect of missense changes on protein structure and function (PolyPhen-2) suggests that this variant is likely to be tolerated. In summary, the available evidence is currently insufficient to determine the role of this variant in disease. Therefore, it has been classified as a Variant of Uncertain Significance.

NM_181872.6(DMRT2):c.335C>A (p.Ala112Glu)

Gene: DMRT2 (doublesex and mab-3 related transcription factor 2; plus strand). Cytogenetic location: 9p24.3.
Variant type: single nucleotide variant.
Coding change: c.335C>A on transcript NM_181872.6 (MANE Select); coding-DNA position 335, C replaced by A.
Protein change: p.Ala112Glu; replaces alanine 112 with glutamic acid.
Molecular consequence: missense variant. On other transcripts: 5 prime UTR variant (1), non-coding transcript variant (1).
Genome position (GRCh38, 1-based): chr9:1,051,948, C>A. VCF-style: chr9-1051948-C-A. GRCh37 (hg19) VCF-style: chr9-1051948-C-A.
Other names: c.335C>A (NM_181872.4); c.335C>A, p.Ala112Glu (NM_001130865.3, NM_001370531.1, NM_001370533.1 and 4 more transcripts); c.-316C>A (NM_001370532.1); short protein forms A112E.
Identifiers: ClinVar variation 2766481 (VCV002766481.4), dbSNP rs1360782195, ClinGen allele CA372773492.